The following is an entry in ClinVar:

NM_015164.4(PLEKHM2):c.830C>A (p.Ala277Glu)

Gene: PLEKHM2 (pleckstrin homology and RUN domain containing M2; plus strand). Cytogenetic location: 1p36.21.
Variant type: single nucleotide variant.
Coding change: c.830C>A on transcript NM_015164.4 (MANE Select); coding-DNA position 830, C replaced by A.
Protein change: p.Ala277Glu; replaces alanine 277 with glutamic acid.
Molecular consequence: missense variant.
Genome position (GRCh38, 1-based): chr1:15,725,434, C>A. VCF-style: chr1-15725434-C-A. GRCh37 (hg19) VCF-style: chr1-16051929-C-A.
Other names: short protein forms A277E.
Identifiers: ClinVar variation 944960 (VCV000944960.12), dbSNP rs555141596, ClinGen allele CA616784.
Genomic context (GRCh38, chr1:15,725,434, plus strand): 5'-GCAGCAAGGCCTCCACCAGGAGCCCCACCCAGCGCCAGAACCCCTTCAACGAGGAGCCGG[C>A]AGAGACTGTGTCCTCCTCTGACACCACCCCCGTGCACACCACCTCTCAGGAGAAGGAGGA-3'
Protein context (NP_055979.2, residues 267-287): QRQNPFNEEP[Ala277Glu]ETVSSSDTTP

ClinVar aggregate classification (germline): Uncertain significance. Review status: criteria provided, multiple submitters, no conflicts (2 of 4 stars). 3 submissions from 3 submitters: Uncertain significance (3). Last evaluated 2025-08-21.

Allele frequency attached by ClinVar (database versions not stated): gnomAD exomes 0.00001 and 0.00004; TOPMed 0.00001; gnomAD 0.00003; ExAC 0.00004; 1000 Genomes Project 30x 0.00016; 1000 Genomes Project 0.00020.
gnomAD v4.1: 64 of 1,563,238 alleles (0.0041%); highest among the groups gnomAD compares: Non-Finnish European, 0.0052%; no homozygotes.

Submissions (3):

Ambry Genetics
Classification: Uncertain significance. Last evaluated: 2025-08-21. Review status: criteria provided, single submitter. Criteria: Ambry Variant Classification Scheme 2023. Collection method: clinical testing. Allele origin: germline.

Blueprint Genetics
Classification: Uncertain significance. Last evaluated: 2023-04-03. Review status: criteria provided, single submitter. Criteria: ACMG Guidelines, 2015. Collection method: clinical testing. Allele origin: germline.

Labcorp Genetics (formerly Invitae), Labcorp
Classification: Uncertain significance. Last evaluated: 2019-04-02. Review status: criteria provided, single submitter. Criteria: Invitae Variant Classification Sherloc (09022015). Collection method: clinical testing. Allele origin: germline.
Comment: This sequence change replaces alanine with glutamic acid at codon 277 of the PLEKHM2 protein (p.Ala277Glu). The alanine residue is moderately conserved and there is a moderate physicochemical difference between alanine and glutamic acid. This variant is present in population databases (rs555141596, ExAC 0.01%). This variant has not been reported in the literature in individuals with PLEKHM2-related conditions. Algorithms developed to predict the effect of missense changes on protein structure and function (SIFT, PolyPhen-2, Align-GVGD) all suggest that this variant is likely to be tolerated, but these predictions have not been confirmed by published functional studies and their clinical significance is uncertain. In summary, the available evidence is currently insufficient to determine the role of this variant in disease. Therefore, it has been classified as a Variant of Uncertain Significance.